The following is an entry in ClinVar:

ClinVar aggregate classification (germline): Uncertain significance (1 of 4 stars; one submission).

gnomAD v4.1: 1 of 1,612,100 alleles (0.000062%); highest among the groups gnomAD compares: African/African-American, 0.0013%; no homozygotes.

Submission:

Labcorp Genetics (formerly Invitae), Labcorp
Classification: Uncertain significance. Last evaluated: 2025-04-30. Review status: criteria provided, single submitter. Criteria: Invitae Variant Classification Sherloc (09022015). Collection method: clinical testing. Allele origin: germline.
Comment: This sequence change replaces lysine, which is basic and polar, with asparagine, which is neutral and polar, at codon 8 of the TBX20 protein (p.Lys8Asn). This variant is not present in population databases (gnomAD no frequency). This variant has not been reported in the literature in individuals affected with TBX20-related conditions. ClinVar contains an entry for this variant (Variation ID: 3655706). An algorithm developed to predict the effect of missense changes on protein structure and function (PolyPhen-2) suggests that this variant is likely to be disruptive. In summary, the available evidence is currently insufficient to determine the role of this variant in disease. Therefore, it has been classified as a Variant of Uncertain Significance.

NM_001077653.2(TBX20):c.24G>C (p.Lys8Asn)

Gene: TBX20 (T-box transcription factor 20; minus strand). Cytogenetic location: 7p14.2.
Variant type: single nucleotide variant.
Coding change: c.24G>C on transcript NM_001077653.2 (MANE Select); coding-DNA position 24, G replaced by C.
Protein change: p.Lys8Asn; replaces lysine 8 with asparagine.
Molecular consequence: missense variant.
Genome position (GRCh38, 1-based): chr7:35,253,597, C>G on the plus strand (G>C on the coding strand, the complement: TBX20 is on the minus strand). VCF-style: chr7-35253597-C-G. GRCh37 (hg19) VCF-style: chr7-35293208-C-G.
Other names: c.24G>C, p.Lys8Asn (NM_001166220.1); short protein forms K8N.
Identifiers: ClinVar variation 3655706 (VCV003655706.2).